The following is an entry in ClinVar:

NM_052988.5(CDK10):c.774C>T (p.Pro258=)

Gene: CDK10 (cyclin dependent kinase 10; plus strand). Cytogenetic location: 16q24.3.
Variant type: single nucleotide variant.
Coding change: c.774C>T on transcript NM_052988.5 (MANE Select); coding-DNA position 774, C replaced by T.
Protein change: p.Pro258=; no amino-acid change (proline 258 retained).
Molecular consequence: synonymous variant. On other transcripts: non-coding transcript variant (2).
Genome position (GRCh38, 1-based): chr16:89,694,770, C>T. VCF-style: chr16-89694770-C-T. GRCh37 (hg19) VCF-style: chr16-89761178-C-T.
Other names: c.561C>T, p.Pro187= (NM_001098533.3, NM_001160367.2, NM_052987.4).
Identifiers: ClinVar variation 5041632 (VCV005041632.1).

ClinVar aggregate classification (germline): Likely benign (1 of 4 stars; one submission).

Submission:

CeGaT Center for Human Genetics Tuebingen
Classification: Likely benign. Last evaluated: 2026-09-01. Review status: criteria provided, single submitter. Criteria: CeGaT Center For Human Genetics Tuebingen Variant Classification Criteria Version 2. Collection method: clinical testing. Allele origin: germline. Affected: yes. Observed: 1 variant allele.
Comment: CDK10: PM2:Supporting, BP4, BP7